The following is an entry in ClinVar:

NM_000388.4(CASR):c.2335T>C (p.Tyr779His)

Gene: CASR (calcium sensing receptor; plus strand). Cytogenetic location: 3q21.1.
Variant type: single nucleotide variant.
Coding change: c.2335T>C on transcript NM_000388.4 (MANE Select); coding-DNA position 2335, T replaced by C.
Protein change: p.Tyr779His; replaces tyrosine 779 with histidine.
Molecular consequence: missense variant.
Genome position (GRCh38, 1-based): chr3:122,284,289, T>C. VCF-style: chr3-122284289-T-C. GRCh37 (hg19) VCF-style: chr3-122003136-T-C.
Other names: c.2365T>C, p.Tyr789His (NM_001178065.2); short protein forms Y779H, Y789H.
Identifiers: ClinVar variation 1321420 (VCV001321420.2), dbSNP rs766889439, ClinGen allele CA2569817.

ClinVar aggregate classification (germline): Uncertain significance. Review status: criteria provided, multiple submitters, no conflicts (2 of 4 stars). 2 submissions from 2 submitters: Uncertain significance (2). Last evaluated 2021-10-25.

Allele frequency attached by ClinVar (database versions not stated): gnomAD exomes below 0.00001; ExAC 0.00001.
gnomAD v4.1: 2 of 1,614,152 alleles (0.00012%); highest among the groups gnomAD compares: South Asian, 0.0011%; no homozygotes.

Submissions (2):

Women's Health and Genetics/Laboratory Corporation of America, LabCorp
Classification: Uncertain significance. Last evaluated: 2021-10-25. Review status: criteria provided, single submitter. Criteria: LabCorp Variant Classification Summary - May 2015. Collection method: clinical testing. Allele origin: germline.
Comment: Variant summary: CASR c.2335T>C (p.Tyr779His) results in a conservative amino acid change located in the GPCR family 3, C-terminal domain (IPR017978) of the encoded protein sequence. Four of five in-silico tools predict a damaging effect of the variant on protein function. The variant allele was found at a frequency of 4e-06 in 251134 control chromosomes (gnomAD). The available data on variant occurrences in the general population are insufficient to allow any conclusion about variant significance. c.2335T>C has been reported in the literature in an individual affected with hypercalcemia (Nissen_2019). This report does not provide unequivocal conclusions about association of the variant with Familial Hypocalciuric Hypercalcemia. To our knowledge, no experimental evidence demonstrating an impact on protein function has been reported. No clinical diagnostic laboratories have submitted clinical-significance assessments for this variant to ClinVar after 2014. Based on the evidence outlined above, the variant was classified as uncertain significance.

Blueprint Genetics
Classification: Uncertain significance. Last evaluated: 2019-06-26. Review status: criteria provided, single submitter. Criteria: ACMG Guidelines, 2015. Collection method: clinical testing. Allele origin: germline.

Literature cited by the submitters: PubMed 31433865 (cited by Women's Health and Genetics/Laboratory Corporation of America, LabCorp).